The following is an entry in ClinVar:

NM_001134831.2(AHI1):c.2373+72A>G

Gene: AHI1 (Abelson helper integration site 1; minus strand). Cytogenetic location: 6q23.3.
Variant type: single nucleotide variant.
Coding change: c.2373+72A>G on transcript NM_001134831.2 (MANE Select); 72 bases into the intron after coding-DNA position 2373, A replaced by G.
Molecular consequence: intron variant.
Genome position (GRCh38, 1-based): chr6:135,431,136, T>C on the plus strand (A>G on the coding strand, the complement: AHI1 is on the minus strand). VCF-style: chr6-135431136-T-C. GRCh37 (hg19) VCF-style: chr6-135752274-T-C.
Other names: NC_000006.11:g.135752274T>C; c.2373+72A>G (NM_001134830.2, NM_001350503.2, NM_017651.5 and 2 more transcripts).
Identifiers: ClinVar variation 676037 (VCV000676037.2), dbSNP rs111866629, ClinGen allele CA148120900.

ClinVar aggregate classification (germline): Benign (1 of 4 stars; one submission).

Allele frequency attached by ClinVar (database versions not stated): gnomAD exomes 0.00336; gnomAD 0.03071 and 0.03301; 1000 Genomes Project 0.03195; 1000 Genomes Project 30x 0.03279; TOPMed 0.03498.
gnomAD v4.1: 7,780 of 1,012,002 alleles (0.77%); highest among the groups gnomAD compares: African/African-American, 10%; 340 homozygotes.

Submissions (8):

GeneDx
Classification: Benign. Last evaluated: 2018-06-16. Review status: criteria provided, single submitter. Criteria: GeneDx Variant Classification (06012015). Collection method: clinical testing. Allele origin: germline. Affected: yes.
Comment: This variant is considered likely benign or benign based on one or more of the following criteria: it is a conservative change, it occurs at a poorly conserved position in the protein, it is predicted to be benign by multiple in silico algorithms, and/or has population frequency not consistent with disease.

Dr. Peter K. Rogan Lab, Western University
No classification provided (evidence only). Condition: Acute myeloid leukemia. Review status: no classification provided. Collection method: in vitro. Allele origin: not applicable. Functional consequence: retained intron. Not counted in ClinVar's aggregate classification.

Dr. Peter K. Rogan Lab, Western University
No classification provided (evidence only). Condition: Uterine corpus endometrial carcinoma. Review status: no classification provided. Collection method: in vitro. Allele origin: not applicable. Functional consequence: retained intron. Not counted in ClinVar's aggregate classification.

Dr. Peter K. Rogan Lab, Western University
No classification provided (evidence only). Condition: Cervical cancer. Review status: no classification provided. Collection method: in vitro. Allele origin: not applicable. Functional consequence: retained intron. Not counted in ClinVar's aggregate classification.

Dr. Peter K. Rogan Lab, Western University
No classification provided (evidence only). Condition: Cervical cancer. Review status: no classification provided. Collection method: in vitro. Allele origin: not applicable. Functional consequence: retained intron. Not counted in ClinVar's aggregate classification.

Dr. Peter K. Rogan Lab, Western University
No classification provided (evidence only). Condition: Sarcoma. Review status: no classification provided. Collection method: in vitro. Allele origin: not applicable. Functional consequence: retained intron. Not counted in ClinVar's aggregate classification.

Dr. Peter K. Rogan Lab, Western University
No classification provided (evidence only). Condition: Thymoma. Review status: no classification provided. Collection method: in vitro. Allele origin: not applicable. Functional consequence: retained intron. Not counted in ClinVar's aggregate classification.

Dr. Peter K. Rogan Lab, Western University
No classification provided (evidence only). Condition: Gastric cancer. Review status: no classification provided. Collection method: in vitro. Allele origin: not applicable. Functional consequence: retained intron. Not counted in ClinVar's aggregate classification.